The following is an entry in ClinVar:

ClinVar aggregate classification (germline): Pathogenic (1 of 4 stars; one submission).

Conditions:
Nephronophthisis 15 (NPHP15). Identifiers: Orphanet 3156, MedGen C3541853, MONDO:0013917, OMIM 614845.

Submission:

Labcorp Genetics (formerly Invitae), Labcorp
Classification: Pathogenic for Nephronophthisis 15. Last evaluated: 2023-08-06. Review status: criteria provided, single submitter. Criteria: Invitae Variant Classification Sherloc (09022015). Collection method: clinical testing. Allele origin: germline.
Comment: This sequence change creates a premature translational stop signal (p.Gly298Alafs*31) in the CEP164 gene. It is expected to result in an absent or disrupted protein product. Loss-of-function variants in CEP164 are known to be pathogenic (PMID: 22863007, 28125082, 32367404, 34132027, 34499853). This variant is not present in population databases (gnomAD no frequency). This variant has not been reported in the literature in individuals affected with CEP164-related conditions. For these reasons, this variant has been classified as Pathogenic.

Literature cited by the submitters: PubMed 22863007; PubMed 28125082; PubMed 32367404; PubMed 34132027; PubMed 34499853.

NM_014956.5(CEP164):c.893del (p.Gly298fs)

Gene: CEP164 (centrosomal protein 164; plus strand). Cytogenetic location: 11q23.3.
Variant type: Deletion.
Coding change: c.893del on transcript NM_014956.5 (MANE Select); coding-DNA position 893, one base deleted (G; older notation c.893delG).
Protein change: p.Gly298fs; shifts the reading frame from glycine 298.
Molecular consequence: frameshift variant.
Genome position (GRCh38, 1-based): chr11:117,371,207, G deleted; the last of 2 consecutive G bases (chr11:117,371,206-117,371,207); deleting either gives the same sequence. VCF-style (leftmost placement, unchanged base first): chr11-117371205-TG-T. GRCh37 (hg19) VCF-style: chr11-117241921-TG-T.
Other names: c.893del, p.Gly298fs (NM_001271933.2); short protein forms G298fs.
Identifiers: ClinVar variation 2725347 (VCV002725347.3), dbSNP rs2541189783, ClinGen allele CA2697558964.
Genomic context (GRCh38, chr11:117,371,205, plus strand): 5'-TCCCCCTACTCCCTGCAAGCCCTCCAGCCCAGGTGCAGACAGCAGTCTGAGCAGTGCTGT[TG>T]GCAAAGGGCGACAGGGAAGTGGAGCAAGACCTGGTCTTCCAGAAAAAGAGGAAAATGAGA-3'